The following is an entry in ClinVar:

NM_019892.6(INPP5E):c.363C>A (p.Pro121=)

Gene: INPP5E (inositol polyphosphate-5-phosphatase E; minus strand). Cytogenetic location: 9q34.3.
Variant type: single nucleotide variant.
Coding change: c.363C>A on transcript NM_019892.6 (MANE Select); coding-DNA position 363, C replaced by A.
Protein change: p.Pro121=; no amino-acid change (proline 121 retained).
Molecular consequence: synonymous variant.
Genome position (GRCh38, 1-based): chr9:136,439,057, G>T on the plus strand (C>A on the coding strand, the complement: INPP5E is on the minus strand). VCF-style: chr9-136439057-G-T. GRCh37 (hg19) VCF-style: chr9-139333509-G-T.
Other names: c.363C>A, p.Pro121= (NM_001318502.2).
Identifiers: ClinVar variation 4991331 (VCV004991331.1).

ClinVar aggregate classification (germline): Likely benign (1 of 4 stars; one submission).

Conditions:
INPP5E-related disorder. Also called: INPP5E-related condition.

Submission:

PreventionGenetics, part of Exact Sciences
Classification: Likely benign for INPP5E-related condition. Last evaluated: 2026-06-27. Review status: criteria provided, single submitter. Criteria: ACMG Guidelines, 2015. Collection method: clinical testing. Allele origin: germline.
Comment: This variant is classified as likely benign based on ACMG/AMP sequence variant interpretation guidelines (Richards et al. 2015 PMID: 25741868, with internal and published modifications).